The following is an entry in ClinVar:

NM_005548.3(KARS1):c.9C>T (p.Ala3=)

Genes: KARS1 (lysyl-tRNA synthetase 1; minus strand), LOC130059450 (ATAC-STARR-seq lymphoblastoid active region 11144; plus strand). Cytogenetic location: 16q23.1.
Variant type: single nucleotide variant.
Coding change: c.9C>T on transcript NM_005548.3 (MANE Select); coding-DNA position 9, C replaced by T.
Protein change: p.Ala3=; no amino-acid change (alanine 3 retained).
Molecular consequence: synonymous variant. On other transcripts: 5 prime UTR variant (2).
Genome position (GRCh38, 1-based): chr16:75,647,631, G>A on the plus strand (C>T on the coding strand, the complement: KARS1 is on the minus strand). VCF-style: chr16-75647631-G-A. GRCh37 (hg19) VCF-style: chr16-75681529-G-A.
Other names: c.-88C>T (NM_001130089.2); c.-574C>T (NM_001378148.1).
Identifiers: ClinVar variation 4821553 (VCV004821553.4).
Genomic context (GRCh38, chr16:75,647,631, plus strand): 5'-CACTCACTTCTTGCTCAGTTTCGGCTCGCTGCCATCCACTTTCACCTCGGCCGCCTGCAC[G>A]GCCGCCATCTTCCCGGAGGGCCCGACCCAAAAGTAAGGAGGATAGTACGTTAATTTCCAG-3'
Protein context (NP_005539.1, residues 1-13): MA[Ala3=]VQAAEVKVDG

ClinVar aggregate classification (germline): Likely benign (1 of 4 stars; one submission).

gnomAD v4.1: 29 of 1,613,780 alleles (0.0018%); highest among the groups gnomAD compares: South Asian, 0.018%; 1 homozygote.

Submission:

CeGaT Center for Human Genetics Tuebingen
Classification: Likely benign. Last evaluated: 2026-01-01. Review status: criteria provided, single submitter. Criteria: CeGaT Center For Human Genetics Tuebingen Variant Classification Criteria Version 2. Collection method: clinical testing. Allele origin: germline. Affected: yes. Observed: 1 variant allele.
Comment: KARS1: BP4, BP7